The following is an entry in ClinVar:

ClinVar aggregate classification (germline): Uncertain significance (1 of 4 stars; one submission).

Conditions:
Hereditary cancer-predisposing syndrome. Also called: Neoplastic Syndromes, Hereditary; Tumor predisposition; Hereditary Cancer Syndrome; Hereditary neoplastic syndrome. Identifiers: Orphanet 140162, MedGen C0027672, MeSH D009386, MONDO:0015356.

Submissions (2):

Color Diagnostics, LLC DBA Color Health
Classification: Uncertain significance for Hereditary cancer-predisposing syndrome. Last evaluated: 2019-02-21. Review status: criteria provided, single submitter. Criteria: ACMG Guidelines, 2015. Collection method: clinical testing. Allele origin: germline.

Brotman Baty Institute, University of Washington
No classification provided (evidence only). Condition: Breast-ovarian cancer, familial 1. Review status: no classification provided. Collection method: in vitro. Allele origin: not applicable. Functional consequence: functionally_normal. Not counted in ClinVar's aggregate classification.
ClinVar note: "not provided" was previously submitted as the classification for the variant. However, the classification appeared to be based only on an observation of functional data so it was converted to no classification on 2025-07-30.

NM_007294.4(BRCA1):c.5193+4A>G

Gene: BRCA1 (BRCA1 DNA repair associated; minus strand). Cytogenetic location: 17q21.31.
Variant type: single nucleotide variant.
Coding change: c.5193+4A>G on transcript NM_007294.4 (MANE Select); 4 bases into the intron after coding-DNA position 5193, A replaced by G.
Molecular consequence: intron variant.
Genome position (GRCh38, 1-based): chr17:43,063,329, T>C on the plus strand (A>G on the coding strand, the complement: BRCA1 is on the minus strand). VCF-style: chr17-43063329-T-C. GRCh37 (hg19) VCF-style: chr17-41215346-T-C.
Other names: c.1878+4A>G (NM_001408399.1, NM_001408403.1, NM_001408398.1 and 8 more transcripts); c.1881+4A>G (NM_001407984.1, NM_001407983.1, NM_001407992.1 and 12 more transcripts); c.5184+4A>G (NM_001407645.1, NM_001407644.1); c.5187+4A>G (NM_001407628.1, NM_001407637.1, NM_001407641.1 and 14 more transcripts); c.5190+4A>G (NM_001407860.1, NM_001407611.1, NM_001407624.1 and 17 more transcripts); c.5253+4A>G (NM_001407590.1, NM_001407591.1); c.1758+4A>G (NM_001408443.1, NM_001408439.1, NM_001408434.1 and 10 more transcripts); c.1761+4A>G (NM_001408425.1, NM_001408428.1, NM_001408429.1 and 4 more transcripts); and 72 more.
Identifiers: ClinVar variation 868132 (VCV000868132.5), dbSNP rs2051853149, ClinGen allele CA913188791.